The following is an entry in ClinVar:

NM_000179.3(MSH6):c.162G>T (p.Gly54=)

Gene: MSH6 (mutS homolog 6; plus strand). Cytogenetic location: 2p16.3.
Variant type: single nucleotide variant.
Coding change: c.162G>T on transcript NM_000179.3 (MANE Select); coding-DNA position 162, G replaced by T.
Protein change: p.Gly54=; no amino-acid change (glycine 54 retained).
Molecular consequence: synonymous variant. On other transcripts: 5 prime UTR variant (7), missense variant (1), non-coding transcript variant (5), intron variant (5).
Genome position (GRCh38, 1-based): chr2:47,783,395, G>T. VCF-style: chr2-47783395-G-T. GRCh37 (hg19) VCF-style: chr2-48010534-G-T.
Other names: c.162G>T, p.Gly54= (NM_001281492.2, NM_001406795.1, NM_001406796.1 and 9 more transcripts); c.-575G>T (NM_001281493.2, NM_001406811.1); c.-167G>T (NM_001406799.1); c.107G>T, p.Gly36Val (NM_001406804.1); c.-767G>T (NM_001406807.1); c.-422G>T (NM_001406812.1); c.-833G>T (NM_001406814.1); c.-378G>T (NM_001406816.1); and 3 more; short protein forms G36V.
Identifiers: ClinVar variation 3903760 (VCV003903760.1).

ClinVar aggregate classification (germline): Benign (1 of 4 stars; one submission).

Conditions:
Lynch syndrome 5 (LYNCH5). Also called: Colorectal cancer, hereditary nonpolyposis, type 5; Hereditary non-polyposis colorectal cancer, type 5. Identifiers: Orphanet 144, MedGen C1833477, MONDO:0013710, OMIM 614350. Disease mechanism: loss of function.

gnomAD v4.1: 1 of 1,572,688 alleles (0.000064%); highest among the groups gnomAD compares: East Asian, 0.0024%; no homozygotes.

Submission:

Myriad Genetics, Inc.
Classification: Benign for Lynch syndrome 5. Last evaluated: 2024-12-17. Review status: criteria provided, single submitter. Criteria: Myriad Autosomal Dominant, Autosomal Recessive and X-Linked Classification Criteria (2023). Collection method: clinical testing. Allele origin: unknown.
Comment: This variant is considered benign. This variant is a silent/synonymous amino acid change and it is not expected to impact splicing.